The following is an entry in ClinVar:

ClinVar aggregate classification (germline): Benign. Review status: criteria provided, multiple submitters, no conflicts (2 of 4 stars). 2 submissions from 2 submitters: Benign (2). Last evaluated 2018-06-16.

Allele frequency attached by ClinVar (database versions not stated): 1000 Genomes Project 30x 0.79763; 1000 Genomes Project 0.79952; TOPMed 0.80532; gnomAD 0.81979 and 0.82412; gnomAD exomes 0.88649.
gnomAD v4.1: 842,692 of 962,078 alleles (88%); highest among the groups gnomAD compares: Non-Finnish European, 90%; 371,552 homozygotes.

Submissions (2):

GeneDx
Classification: Benign. Last evaluated: 2018-06-16. Review status: criteria provided, single submitter. Criteria: GeneDx Variant Classification (06012015). Collection method: clinical testing. Allele origin: germline. Affected: yes.
Comment: This variant is considered likely benign or benign based on one or more of the following criteria: it is a conservative change, it occurs at a poorly conserved position in the protein, it is predicted to be benign by multiple in silico algorithms, and/or has population frequency not consistent with disease.

Breakthrough Genomics
Classification: Benign. Review status: criteria provided, single submitter. Criteria: ACMG Guidelines, 2015. Collection method: not provided. Allele origin: germline. Inheritance: Autosomal dominant inheritance. Affected: yes.

NM_152594.3(SPRED1):c.423+103C>T

Gene: SPRED1 (sprouty related EVH1 domain containing 1; plus strand). Cytogenetic location: 15q14.
Variant type: single nucleotide variant.
Coding change: c.423+103C>T on transcript NM_152594.3 (MANE Select); 103 bases into the intron after coding-DNA position 423, C replaced by T.
Molecular consequence: intron variant.
Genome position (GRCh38, 1-based): chr15:38,324,912, C>T. VCF-style: chr15-38324912-C-T. GRCh37 (hg19) VCF-style: chr15-38617113-C-T.
Identifiers: ClinVar variation 561404 (VCV000561404.2), dbSNP rs1879938, ClinGen allele CA15838012.